The following is an entry in ClinVar:

NM_173477.5(USH1G):c.991C>T (p.Arg331Cys)

Gene: USH1G (USH1 protein network component sans; minus strand). Cytogenetic location: 17q25.1.
Variant type: single nucleotide variant.
Coding change: c.991C>T on transcript NM_173477.5 (MANE Select); coding-DNA position 991, C replaced by T.
Protein change: p.Arg331Cys; replaces arginine 331 with cysteine.
Molecular consequence: missense variant.
Genome position (GRCh38, 1-based): chr17:74,919,845, G>A on the plus strand (C>T on the coding strand, the complement: USH1G is on the minus strand). VCF-style: chr17-74919845-G-A. GRCh37 (hg19) VCF-style: chr17-72915940-G-A.
Other names: c.682C>T, p.Arg228Cys (NM_001282489.3); short protein forms R331C, R228C.
Identifiers: ClinVar variation 1486909 (VCV001486909.8), dbSNP rs373170645, ClinGen allele CA8753955.

ClinVar aggregate classification (germline): Uncertain significance (1 of 4 stars; one submission).

Allele frequency attached by ClinVar (database versions not stated): gnomAD exomes below 0.00001 and 0.00001; gnomAD 0.00001; TOPMed 0.00001; ExAC 0.00002; ESP Exome Variant Server 0.00008.
gnomAD v4.1: 4 of 1,612,806 alleles (0.00025%); highest among the groups gnomAD compares: African/African-American, 0.004%; no homozygotes.

Submission:

Labcorp Genetics (formerly Invitae), Labcorp
Classification: Uncertain significance. Last evaluated: 2022-07-06. Review status: criteria provided, single submitter. Criteria: Invitae Variant Classification Sherloc (09022015). Collection method: clinical testing. Allele origin: germline.
Comment: This variant has not been reported in the literature in individuals affected with USH1G-related conditions. In summary, the available evidence is currently insufficient to determine the role of this variant in disease. Therefore, it has been classified as a Variant of Uncertain Significance. Algorithms developed to predict the effect of missense changes on protein structure and function are either unavailable or do not agree on the potential impact of this missense change (SIFT: "Not Available"; PolyPhen-2: "Benign"; Align-GVGD: "Not Available"). ClinVar contains an entry for this variant (Variation ID: 1486909). This variant is present in population databases (rs373170645, gnomAD 0.01%). This sequence change replaces arginine, which is basic and polar, with cysteine, which is neutral and slightly polar, at codon 331 of the USH1G protein (p.Arg331Cys).